The following is an entry in ClinVar:

NM_001031685.3(TP53BP2):c.1405G>A (p.Val469Ile)

Gene: TP53BP2 (tumor protein p53 binding protein 2; minus strand). Cytogenetic location: 1q41.
Variant type: single nucleotide variant.
Coding change: c.1405G>A on transcript NM_001031685.3 (MANE Select); coding-DNA position 1405, G replaced by A.
Protein change: p.Val469Ile; replaces valine 469 with isoleucine.
Molecular consequence: missense variant.
Genome position (GRCh38, 1-based): chr1:223,799,979, C>T on the plus strand (G>A on the coding strand, the complement: TP53BP2 is on the minus strand). VCF-style: chr1-223799979-C-T. GRCh37 (hg19) VCF-style: chr1-223987681-C-T.
Other names: c.1018G>A, p.Val340Ile (NM_005426.3); short protein forms V340I, V469I.
Identifiers: ClinVar variation 2639922 (VCV002639922.24), dbSNP rs142275576, ClinGen allele CA1412829.

ClinVar aggregate classification (germline): Likely benign (1 of 4 stars; one submission).

Allele frequency attached by ClinVar (database versions not stated): ESP Exome Variant Server 0.00062; TOPMed 0.00063; gnomAD 0.00065; ExAC 0.00090; gnomAD exomes 0.00121.
gnomAD v4.1: 1,838 of 1,613,600 alleles (0.11%); highest among the groups gnomAD compares: Non-Finnish European, 0.15%; 2 homozygotes.

Submission:

CeGaT Center for Human Genetics Tuebingen
Classification: Likely benign. Last evaluated: 2023-02-01. Review status: criteria provided, single submitter. Criteria: CeGaT Center For Human Genetics Tuebingen Variant Classification Criteria Version 2. Collection method: clinical testing. Allele origin: germline. Affected: yes. Observed: 1 variant allele.
Comment: TP53BP2: BP4, BS1